The following is an entry in ClinVar:

ClinVar aggregate classification (germline): Uncertain significance (1 of 4 stars; one submission).

Conditions:
EGFR-related lung cancer (EGFR). Identifiers: MedGen CN130014.

gnomAD v4.1: 8 of 1,614,204 alleles (0.0005%); highest among the groups gnomAD compares: Non-Finnish European, 0.00068%; no homozygotes.

Submission:

Labcorp Genetics (formerly Invitae), Labcorp
Classification: Uncertain significance for EGFR-related lung cancer. Last evaluated: 2026-01-14. Review status: criteria provided, single submitter. Criteria: Invitae Variant Classification Sherloc (09022015). Collection method: clinical testing. Allele origin: germline.
Comment: This sequence change replaces histidine, which is basic and polar, with arginine, which is basic and polar, at codon 433 of the EGFR protein (p.His433Arg). This variant is present in population databases (rs750713244, gnomAD 0.002%). This variant has not been reported in the literature in individuals affected with EGFR-related conditions. An algorithm developed to predict the effect of missense changes on protein structure and function (PolyPhen-2) suggests that this variant is likely to be tolerated. In summary, the available evidence is currently insufficient to determine the role of this variant in disease. Therefore, it has been classified as a Variant of Uncertain Significance.

NM_005228.5(EGFR):c.1298A>G (p.His433Arg)

Gene: EGFR (epidermal growth factor receptor; plus strand). Cytogenetic location: 7p11.2.
Variant type: single nucleotide variant.
Coding change: c.1298A>G on transcript NM_005228.5 (MANE Select); coding-DNA position 1298, A replaced by G.
Protein change: p.His433Arg; replaces histidine 433 with arginine.
Molecular consequence: missense variant.
Genome position (GRCh38, 1-based): chr7:55,157,753, A>G. VCF-style: chr7-55157753-A-G. GRCh37 (hg19) VCF-style: chr7-55225446-A-G.
Other names: c.1163A>G, p.His388Arg (NM_001346897.2, NM_001346899.2); c.1298A>G, p.His433Arg (NM_001346898.2, NM_201282.2, NM_201284.2); c.1139A>G, p.His380Arg (NM_001346900.2); c.497A>G, p.His166Arg (NM_001346941.2); short protein forms H380R, H388R, H166R, H433R.
Identifiers: ClinVar variation 4703359 (VCV004703359.1).
Genomic context (GRCh38, chr7:55,157,753, plus strand): 5'-ACAGGACGGACCTCCATGCCTTTGAGAACCTAGAAATCATACGCGGCAGGACCAAGCAAC[A>G]GTAAGTTGACCACAGCCAAAGCCTGGTAGATTACATTTGCCTTTTTAGTTGGAAATTAGG-3'
Protein context (NP_005219.2, residues 423-443): LEIIRGRTKQ[His433Arg]GQFSLAVVSL